The following is an entry in ClinVar:

NM_001114753.3(ENG):c.761A>T (p.Gln254Leu)

Gene: ENG (endoglin; minus strand). Cytogenetic location: 9q34.11.
Variant type: single nucleotide variant.
Coding change: c.761A>T on transcript NM_001114753.3 (MANE Select); coding-DNA position 761, A replaced by T.
Protein change: p.Gln254Leu; replaces glutamine 254 with leucine.
Molecular consequence: missense variant.
Genome position (GRCh38, 1-based): chr9:127,825,286, T>A on the plus strand (A>T on the coding strand, the complement: ENG is on the minus strand). VCF-style: chr9-127825286-T-A. GRCh37 (hg19) VCF-style: chr9-130587565-T-A.
Other names: c.761A>T, p.Gln254Leu (NM_000118.4, NM_001406715.1); c.215A>T, p.Gln72Leu (NM_001278138.2); short protein forms Q72L, Q254L.
Identifiers: ClinVar variation 4824983 (VCV004824983.1).
Genomic context (GRCh38, chr9:127,825,286, plus strand): 5'-CTCACCCAGATCTGCATGTTGTGGTTGGCGTCGATGAGCCAGGACACGTAGGGGGGACCC[T>A]GCAGGATGAGGACGGCATCGAGATCCCCGGGTGCGCAGCTCAGTTCCACCTTCACCGTCA-3'
Protein context (NP_001108225.1, residues 244-264): PGDLDAVLIL[Gln254Leu]GPPYVSWLID

ClinVar aggregate classification (germline): Uncertain significance (1 of 4 stars; one submission).

Conditions:
Cardiovascular phenotype. Identifiers: MedGen CN230736.

Submission:

Ambry Genetics
Classification: Uncertain significance for Cardiovascular phenotype. Last evaluated: 2026-02-13. Review status: criteria provided, single submitter. Criteria: Ambry Variant Classification Scheme 2023. Collection method: clinical testing. Allele origin: germline.
Comment: The p.Q254L variant (also known as c.761A>T), located in coding exon 6 of the ENG gene, results from an A to T substitution at nucleotide position 761. The glutamine at codon 254 is replaced by leucine, an amino acid with dissimilar properties. This amino acid position is conserved. In addition, this alteration is predicted to be tolerated by in silico analysis. Based on the available evidence, the clinical significance of this variant remains unclear.